The following is an entry in ClinVar:

ClinVar aggregate classification (germline): Likely benign. Review status: criteria provided, multiple submitters, no conflicts (2 of 4 stars). 3 submissions from 3 submitters: Likely benign (3). Last evaluated 2025-12-14.

Conditions:
Hypertrophic cardiomyopathy 10. Also called: CARDIOMYOPATHY, HYPERTROPHIC, MID-LEFT VENTRICULAR CHAMBER TYPE, 2; MYL2-Related Familial Hypertrophic Cardiomyopathy. Identifiers: MedGen C1834460, MONDO:0012112, OMIM 608758.
Hypertrophic cardiomyopathy. Also called: HYPERTROPHIC MYOCARDIOPATHY. Identifiers: Orphanet 217569, MedGen C0007194, MeSH D002312, MONDO:0005045, HP:0001639.
Cardiomyopathy (CMYO). Also called: Cardiomyopathies. Identifiers: Orphanet 167848, MedGen C0878544, MONDO:0004994, HP:0001638. Inheritance: Various modes of inheritance.

Allele frequency attached by ClinVar (database versions not stated): gnomAD exomes 0.00001 and 0.00002; TOPMed 0.00001; ExAC 0.00003.
gnomAD v4.1: 10 of 1,611,124 alleles (0.00062%); highest among the groups gnomAD compares: Non-Finnish European, 0.00076%; no homozygotes.

Submissions (3):

Labcorp Genetics (formerly Invitae), Labcorp
Classification: Likely benign for Hypertrophic cardiomyopathy 10. Last evaluated: 2025-12-14. Review status: criteria provided, single submitter. Criteria: Invitae Variant Classification Sherloc (09022015). Collection method: clinical testing. Allele origin: germline.

All of Us Research Program, National Institutes of Health
Classification: Likely benign for Hypertrophic cardiomyopathy. Last evaluated: 2023-12-07. Review status: criteria provided, single submitter. Criteria: ACMG Guidelines, 2015. Collection method: clinical testing. Allele origin: germline. Inheritance: Autosomal dominant inheritance. Observed: 4 variant alleles, 4 heterozygotes.
Comment: This study involves interpretation of variants in research participants for the purpose of population health screening. Participant phenotype was not available at the time of variant classification. Additional details can be found in publication PMID: 35346344, PMCID: PMC8962531

Color Diagnostics, LLC DBA Color Health
Classification: Likely benign for Cardiomyopathy. Last evaluated: 2018-12-10. Review status: criteria provided, single submitter. Criteria: ACMG Guidelines, 2015. Collection method: clinical testing. Allele origin: germline.

NM_000432.4(MYL2):c.4-8T>C

Genes: MYL2 (myosin light chain 2; minus strand), LOC114827850 (VISTA enhancer hs2149; plus strand). Cytogenetic location: 12q24.11.
Variant type: single nucleotide variant.
Coding change: c.4-8T>C on transcript NM_000432.4 (MANE Select); 8 bases into the intron before coding-DNA position 4, T replaced by C.
Molecular consequence: intron variant.
Genome position (GRCh38, 1-based): chr12:110,919,201, A>G on the plus strand (T>C on the coding strand, the complement: MYL2 is on the minus strand). VCF-style: chr12-110919201-A-G. GRCh37 (hg19) VCF-style: chr12-111357005-A-G.
Identifiers: ClinVar variation 532782 (VCV000532782.12), dbSNP rs750730703, ClinGen allele CA043408.
Genomic context (GRCh38, chr12:110,919,201, plus strand): 5'-GAGAACACGTTGGAGTTGGCGCCCCCGGCTCTCTTCTTTGCTTTCTTAGGTGCCTGGGGG[A>G]AAAAAGCATCGATTAAAAGAGTGAGAGGCTGGGAGTCAAAAAACTAGGTCAGGCCCCTAC-3'